The following is an entry in ClinVar:

NM_172107.4(KCNQ2):c.1067T>A (p.Leu356Gln)

Gene: KCNQ2 (potassium voltage-gated channel subfamily Q member 2; minus strand). Cytogenetic location: 20q13.33.
Variant type: single nucleotide variant.
Coding change: c.1067T>A on transcript NM_172107.4 (MANE Select); coding-DNA position 1067, T replaced by A.
Protein change: p.Leu356Gln; replaces leucine 356 with glutamine.
Molecular consequence: missense variant.
Genome position (GRCh38, 1-based): chr20:63,433,860, A>T on the plus strand (T>A on the coding strand, the complement: KCNQ2 is on the minus strand). VCF-style: chr20-63433860-A-T. GRCh37 (hg19) VCF-style: chr20-62065213-A-T.
Other names: c.1067T>A, p.Leu356Gln (NM_001382235.1, NM_004518.6, NM_172106.3 and 2 more transcripts); short protein forms L356Q.
Identifiers: ClinVar variation 1388731 (VCV001388731.7), dbSNP rs1057518772, ClinGen allele CA409651162.

ClinVar aggregate classification (germline): Pathogenic (1 of 4 stars; one submission).

Conditions:
Early-infantile DEE. Also called: Early infantile epileptic encephalopathy with suppression bursts; Early infantile epileptic encephalopathy; Ohtahara syndrome. Identifiers: Orphanet 1934, MedGen C0393706, MONDO:0800491.

Submission:

Labcorp Genetics (formerly Invitae), Labcorp
Classification: Pathogenic for Early-infantile DEE. Last evaluated: 2022-03-22. Review status: criteria provided, single submitter. Criteria: Invitae Variant Classification Sherloc (09022015). Collection method: clinical testing. Allele origin: germline.
Comment: For these reasons, this variant has been classified as Pathogenic. This variant disrupts the p.Leu356 amino acid residue in KCNQ2. Other variant(s) that disrupt this residue have been observed in individuals with KCNQ2-related conditions (PMID: 25959266, 28503627, 29286351), which suggests that this may be a clinically significant amino acid residue. Advanced modeling of protein sequence and biophysical properties (such as structural, functional, and spatial information, amino acid conservation, physicochemical variation, residue mobility, and thermodynamic stability) performed at Invitae indicates that this missense variant is expected to disrupt KCNQ2 protein function. This missense change has been observed in individual(s) with clinical features of KCNQ2-related conditions (Invitae). In at least one individual the variant was observed to be de novo. This variant is not present in population databases (gnomAD no frequency). This sequence change replaces leucine, which is neutral and non-polar, with glutamine, which is neutral and polar, at codon 356 of the KCNQ2 protein (p.Leu356Gln).

Literature cited by the submitters: PubMed 25959266; PubMed 28503627; PubMed 29286351.